The following is an entry in ClinVar:

NM_000601.6(HGF):c.1981G>A (p.Ala661Thr)

Gene: HGF (hepatocyte growth factor; minus strand). Cytogenetic location: 7q21.11.
Variant type: single nucleotide variant.
Coding change: c.1981G>A on transcript NM_000601.6 (MANE Select); coding-DNA position 1981, G replaced by A.
Protein change: p.Ala661Thr; replaces alanine 661 with threonine.
Molecular consequence: missense variant.
Genome position (GRCh38, 1-based): chr7:81,705,419, C>T on the plus strand (G>A on the coding strand, the complement: HGF is on the minus strand). VCF-style: chr7-81705419-C-T. GRCh37 (hg19) VCF-style: chr7-81334735-C-T.
Other names: c.1981G>A (NM_000601.4); c.1966G>A, p.Ala656Thr (NM_001010932.3); short protein forms A656T, A661T.
Identifiers: ClinVar variation 1438857 (VCV001438857.7), dbSNP rs769580628, ClinGen allele CA4316754.

ClinVar aggregate classification (germline): Uncertain significance. Review status: criteria provided, multiple submitters, no conflicts (2 of 4 stars). 3 submissions from 3 submitters: Uncertain significance (3). Last evaluated 2026-08-28.

Allele frequency attached by ClinVar (database versions not stated): gnomAD exomes below 0.00001; ExAC 0.00001; TOPMed 0.00005.
gnomAD v4.1: 2 of 1,612,814 alleles (0.00012%); highest among the groups gnomAD compares: Admixed American, 0.0033%; no homozygotes.

Submissions (3):

GeneDx
Classification: Uncertain significance. Last evaluated: 2026-08-28. Review status: criteria provided, single submitter. Criteria: GeneDx Variant Classification Process June 2021. Collection method: clinical testing. Allele origin: germline.
Comment: Not observed at significant frequency in large population cohorts (gnomAD); In silico analysis supports that this missense variant does not alter protein structure/function; Has not been previously published as pathogenic or benign to our knowledge

Ambry Genetics
Classification: Uncertain significance. Last evaluated: 2025-08-13. Review status: criteria provided, single submitter. Criteria: Ambry Variant Classification Scheme 2023. Collection method: clinical testing. Allele origin: germline.

Labcorp Genetics (formerly Invitae), Labcorp
Classification: Uncertain significance. Last evaluated: 2021-04-29. Review status: criteria provided, single submitter. Criteria: Invitae Variant Classification Sherloc (09022015). Collection method: clinical testing. Allele origin: germline.
Comment: In summary, the available evidence is currently insufficient to determine the role of this variant in disease. Therefore, it has been classified as a Variant of Uncertain Significance. Algorithms developed to predict the effect of missense changes on protein structure and function output the following: SIFT: "Not Available"; PolyPhen-2: "Benign"; Align-GVGD: "Not Available". The threonine amino acid residue is found in multiple mammalian species, suggesting that this missense change does not adversely affect protein function. These predictions have not been confirmed by published functional studies and their clinical significance is uncertain. This variant has not been reported in the literature in individuals with HGF-related conditions. This variant is present in population databases (rs769580628, ExAC 0.009%). This sequence change replaces alanine with threonine at codon 661 of the HGF protein (p.Ala661Thr). The alanine residue is moderately conserved and there is a small physicochemical difference between alanine and threonine.